The following is an entry in ClinVar:

NM_006517.5(SLC16A2):c.412C>G (p.Gln138Glu)

Gene: SLC16A2 (solute carrier family 16 member 2; plus strand). Cytogenetic location: Xq13.2.
Variant type: single nucleotide variant.
Coding change: c.412C>G on transcript NM_006517.5 (MANE Select); coding-DNA position 412, C replaced by G.
Protein change: p.Gln138Glu; replaces glutamine 138 with glutamic acid.
Molecular consequence: missense variant.
Genome position (GRCh38, 1-based): chrX:74,422,049, C>G. VCF-style: chrX-74422049-C-G. GRCh37 (hg19) VCF-style: chrX-73641884-C-G.
Other names: p.Gln138Glu; short protein forms Q138E.
Identifiers: ClinVar variation 95421 (VCV000095421.46), dbSNP rs145061343, ClinGen allele CA222960.

ClinVar aggregate classification (germline): Conflicting classifications of pathogenicity. Review status: criteria provided, conflicting classifications (1 of 4 stars). 9 submissions from 9 submitters: Uncertain significance (2); Benign (3); Likely benign (2). 2 of the submissions do not count toward it. Last evaluated 2026-01-03.

Conditions:
SLC16A2-related disorder. Also called: SLC16A2-related condition.
Spastic paraplegia. Identifiers: MedGen C0037772, HP:0001258.
Inborn genetic diseases. Identifiers: MedGen C0950123, MeSH D030342.
Hereditary spastic paraplegia. Also called: Familial spastic paraparesis. Identifiers: Orphanet 685, MedGen C0037773, MONDO:0019064. Disease mechanism: loss of function.
Intellectual disability. Also called: Intellectual functioning disability; intellectual disabilities; Intellectual developmental disorder. Identifiers: MedGen C3714756, MeSH D008607, MONDO:0001071, HP:0001249.

Allele frequency attached by ClinVar (database versions not stated): gnomAD 0.00031 and 0.00032; gnomAD exomes 0.00044 and 0.00063; TOPMed 0.00046; ExAC 0.00067; ESP Exome Variant Server 0.00076.
gnomAD v4.1: 744 of 1,208,073 alleles (0.062%); highest among the groups gnomAD compares: Non-Finnish European, 0.075%; no homozygotes.

Submissions (9):

Labcorp Genetics (formerly Invitae), Labcorp
Classification: Benign for Spastic paraplegia. Last evaluated: 2026-01-03. Review status: criteria provided, single submitter. Criteria: Invitae Variant Classification Sherloc (09022015). Collection method: clinical testing. Allele origin: germline.

CeGaT Center for Human Genetics Tuebingen
Classification: Likely benign. Last evaluated: 2024-01-01. Review status: criteria provided, single submitter. Criteria: CeGaT Center For Human Genetics Tuebingen Variant Classification Criteria Version 2. Collection method: clinical testing. Allele origin: germline. Affected: yes. Observed: 1 variant allele.
Comment: SLC16A2: BP4, BS2

Mayo Clinic Laboratories, Mayo Clinic
Classification: Benign. Last evaluated: 2018-10-31. Review status: criteria provided, single submitter. Criteria: ACMG Guidelines, 2015. Collection method: clinical testing. Allele origin: germline. Observed: 2 variant alleles.

Ambry Genetics
Classification: Benign for Inborn genetic diseases. Last evaluated: 2017-09-26. Review status: criteria provided, single submitter. Criteria: Ambry Variant Classification Scheme 2023. Collection method: clinical testing. Allele origin: germline.

Center for Pediatric Genomic Medicine, Children's Mercy Hospital and Clinics
Classification: Likely benign. Last evaluated: 2017-03-07. Review status: criteria provided, single submitter. Criteria: ACMG Guidelines, 2015. Collection method: clinical testing. Allele origin: germline.

Genome Diagnostics Laboratory, The Hospital for Sick Children
Classification: Uncertain significance for Hereditary spastic paraplegia. Last evaluated: 2016-12-30. Review status: criteria provided, single submitter. Criteria: ACMG Guidelines, 2015. Collection method: clinical testing. Allele origin: germline. Affected: yes.

Eurofins Ntd Llc (ga)
Classification: Uncertain significance. Last evaluated: 2014-07-02. Review status: criteria provided, single submitter. Criteria: EGL Classification Definitions 2015. Collection method: clinical testing. Allele origin: germline. Observed: 1 variant allele, 1 hemizygote.

PreventionGenetics, part of Exact Sciences
Classification: Likely benign for SLC16A2-related condition. Last evaluated: 2023-06-26. Review status: no assertion criteria provided. Collection method: clinical testing. Allele origin: germline. Not counted in ClinVar's aggregate classification.
Comment: This variant is classified as likely benign based on ACMG/AMP sequence variant interpretation guidelines (Richards et al. 2015 PMID: 25741868, with internal and published modifications).

Centre de Biologie Pathologie Génétique, Centre Hospitalier Universitaire de Lille
Classification: Benign for Intellectual disability. Last evaluated: 2019-01-01. Review status: no assertion criteria provided. Collection method: clinical testing. Allele origin: inherited. Affected: yes. Not counted in ClinVar's aggregate classification.